The following is an entry in ClinVar:

ClinVar aggregate classification (germline): Uncertain significance (1 of 4 stars; one submission).

Conditions:
Immunodeficiency 132A. Also called: Herpes simplex encephalitis, susceptibility to, 3. Identifiers: Orphanet 1930, MedGen C3553868, MONDO:0013920, OMIM 614849.

Allele frequency attached by ClinVar (database versions not stated): gnomAD exomes 0.00001; ExAC 0.00002.
gnomAD v4.1: 11 of 1,614,126 alleles (0.00068%); highest among the groups gnomAD compares: Non-Finnish European, 0.00093%; no homozygotes.

Submission:

Labcorp Genetics (formerly Invitae), Labcorp
Classification: Uncertain significance for Immunodeficiency 132A. Last evaluated: 2025-10-28. Review status: criteria provided, single submitter. Criteria: Invitae Variant Classification Sherloc (09022015). Collection method: clinical testing. Allele origin: germline.
Comment: This sequence change replaces serine, which is neutral and polar, with asparagine, which is neutral and polar, at codon 370 of the TRAF3 protein (p.Ser370Asn). This variant is present in population databases (rs770905193, gnomAD 0.002%). This variant has not been reported in the literature in individuals affected with TRAF3-related conditions. ClinVar contains an entry for this variant (Variation ID: 657076). An algorithm developed to predict the effect of missense changes on protein structure and function (PolyPhen-2) suggests that this variant is likely to be tolerated. In summary, the available evidence is currently insufficient to determine the role of this variant in disease. Therefore, it has been classified as a Variant of Uncertain Significance.

NM_145725.3(TRAF3):c.1109G>A (p.Ser370Asn)

Gene: TRAF3 (TNF receptor associated factor 3; plus strand). Cytogenetic location: 14q32.32.
Variant type: single nucleotide variant.
Coding change: c.1109G>A on transcript NM_145725.3 (MANE Select); coding-DNA position 1109, G replaced by A.
Protein change: p.Ser370Asn; replaces serine 370 with asparagine.
Molecular consequence: missense variant.
Genome position (GRCh38, 1-based): chr14:102,903,403, G>A. VCF-style: chr14-102903403-G-A. GRCh37 (hg19) VCF-style: chr14-103369740-G-A.
Other names: c.860G>A, p.Ser287Asn (NM_001199427.2); c.968G>A, p.Ser323Asn (NM_001385142.1); c.1028G>A, p.Ser343Asn (NM_001385143.1); c.1109G>A, p.Ser370Asn (NM_003300.4); c.1034G>A, p.Ser345Asn (NM_145726.3); short protein forms S287N, S345N, S370N, S323N, S343N.
Identifiers: ClinVar variation 657076 (VCV000657076.9), dbSNP rs770905193, ClinGen allele CA7359504.
Genomic context (GRCh38, chr14:102,903,403, plus strand): 5'-TGAAGAGCAGCGTGGAGTCCCTCCAGAACCGCGTGACCGAGCTGGAGAGCGTGGACAAGA[G>A]CGCGGGGCAAGTGGCTCGGAACACAGGTGAGGCAGGGGCCGGGGCCGGGCCAGCAGTGTG-3'
Protein context (NP_663777.1, residues 360-380): RVTELESVDK[Ser370Asn]AGQVARNTGL